The following is an entry in ClinVar:

NM_012123.4(MTO1):c.1413G>T (p.Glu471Asp)

Gene: MTO1 (mitochondrial tRNA translation optimization 1; plus strand). Cytogenetic location: 6q13.
Variant type: single nucleotide variant.
Coding change: c.1413G>T on transcript NM_012123.4 (MANE Select); coding-DNA position 1413, G replaced by T.
Protein change: p.Glu471Asp; replaces glutamic acid 471 with aspartic acid.
Molecular consequence: missense variant.
Genome position (GRCh38, 1-based): chr6:73,482,192, G>T. VCF-style: chr6-73482192-G-T. GRCh37 (hg19) VCF-style: chr6-74191915-G-T.
Other names: c.1533G>T, p.Glu511Asp (NM_001123226.2); c.1488G>T, p.Glu496Asp (NM_133645.3); short protein forms E496D, E511D, E471D.
Identifiers: ClinVar variation 2121463 (VCV002121463.4), dbSNP rs1771519911, ClinGen allele CA364717201.
Genomic context (GRCh38, chr6:73,482,192, plus strand): 5'-TGATGACCTCACTACTCTGGGCACCAGTGAACCATACCGCATGTTTACCAGCCGAGTAGA[G>T]TTCCGTTTGTCACTGCGCCCTGATAATGCTGACAGCCGGCTCACACTGCGAGGTAACTCT-3'
Protein context (NP_036255.2, residues 461-481): EPYRMFTSRV[Glu471Asp]FRLSLRPDNA

ClinVar aggregate classification (germline): Uncertain significance (1 of 4 stars; one submission).

Conditions:
Mitochondrial hypertrophic cardiomyopathy with lactic acidosis due to MTO1 deficiency. Also called: CARDIOMYOPATHY, INFANTILE HYPERTROPHIC MITOCHONDRIAL, AND LACTIC ACIDOSIS; Combined oxidative phosphorylation deficiency 10. Identifiers: Orphanet 314637, MedGen C4749921, MONDO:0013865, OMIM 614702.

Allele frequency attached by ClinVar (database versions not stated): gnomAD exomes below 0.00001.
gnomAD v4.1: 1 of 1,614,162 alleles (0.000062%); highest among the groups gnomAD compares: Non-Finnish European, 0.000085%; no homozygotes.

Submission:

Labcorp Genetics (formerly Invitae), Labcorp
Classification: Uncertain significance for Mitochondrial hypertrophic cardiomyopathy with lactic acidosis due to MTO1 deficiency. Last evaluated: 2022-04-04. Review status: criteria provided, single submitter. Criteria: Invitae Variant Classification Sherloc (09022015). Collection method: clinical testing. Allele origin: germline.
Comment: In summary, the available evidence is currently insufficient to determine the role of this variant in disease. Therefore, it has been classified as a Variant of Uncertain Significance. Algorithms developed to predict the effect of missense changes on protein structure and function are either unavailable or do not agree on the potential impact of this missense change (SIFT: "Deleterious"; PolyPhen-2: "Possibly Damaging"; Align-GVGD: "Class C0"). This variant has not been reported in the literature in individuals affected with MTO1-related conditions. This variant is not present in population databases (gnomAD no frequency). This sequence change replaces glutamic acid, which is acidic and polar, with aspartic acid, which is acidic and polar, at codon 471 of the MTO1 protein (p.Glu471Asp).